The following is an entry in ClinVar:

ClinVar aggregate classification (germline): Likely benign. Review status: criteria provided, multiple submitters, no conflicts (2 of 4 stars). 2 submissions from 2 submitters: Likely benign (2). Last evaluated 2024-01-18.

Allele frequency attached by ClinVar (database versions not stated): gnomAD exomes below 0.00001.
gnomAD v4.1: 5 of 1,614,190 alleles (0.00031%); highest among the groups gnomAD compares: Non-Finnish European, 0.00042%; no homozygotes.

Submissions (2):

Labcorp Genetics (formerly Invitae), Labcorp
Classification: Likely benign. Last evaluated: 2024-01-18. Review status: criteria provided, single submitter. Criteria: Invitae Variant Classification Sherloc (09022015). Collection method: clinical testing. Allele origin: germline.

CeGaT Center for Human Genetics Tuebingen
Classification: Likely benign. Last evaluated: 2023-03-01. Review status: criteria provided, single submitter. Criteria: CeGaT Center For Human Genetics Tuebingen Variant Classification Criteria Version 2. Collection method: clinical testing. Allele origin: germline. Affected: yes. Observed: 1 variant allele.
Comment: EIF2B5: BP4, BP7

NM_003907.3(EIF2B5):c.1960C>T (p.Leu654=)

Gene: EIF2B5 (eukaryotic translation initiation factor 2B subunit epsilon; plus strand). Cytogenetic location: 3q27.1.
Variant type: single nucleotide variant.
Coding change: c.1960C>T on transcript NM_003907.3 (MANE Select); coding-DNA position 1960, C replaced by T.
Protein change: p.Leu654=; no amino-acid change (leucine 654 retained).
Molecular consequence: synonymous variant.
Genome position (GRCh38, 1-based): chr3:184,144,189, C>T. VCF-style: chr3-184144189-C-T. GRCh37 (hg19) VCF-style: chr3-183861977-C-T.
Identifiers: ClinVar variation 798717 (VCV000798717.31), dbSNP rs1272712755, ClinGen allele CA437149518.
Genomic context (GRCh38, chr3:184,144,189, plus strand): 5'-AACTACATAAAGCGCGCAGCCGACCATTTGGAAGCGTTAGCAGCCATTGAGGACTTCTTC[C>T]TAGAGCATGAAGCTCTTGGTATTTCCATGGCCAAGGTGAATATGACCTCAAGCCCCATTC-3'
Protein context (NP_003898.2, residues 644-664): EALAAIEDFF[Leu654=]EHEALGISMA